The following is an entry in ClinVar:

NM_152296.5(ATP1A3):c.2777T>G (p.Ile926Ser)

Gene: ATP1A3 (ATPase Na+/K+ transporting subunit alpha 3; minus strand). Cytogenetic location: 19q13.2.
Variant type: single nucleotide variant.
Coding change: c.2777T>G on transcript NM_152296.5 (MANE Select); coding-DNA position 2777, T replaced by G.
Protein change: p.Ile926Ser; replaces isoleucine 926 with serine.
Molecular consequence: missense variant.
Genome position (GRCh38, 1-based): chr19:41,968,827, A>C on the plus strand (T>G on the coding strand, the complement: ATP1A3 is on the minus strand). VCF-style: chr19-41968827-A-C. GRCh37 (hg19) VCF-style: chr19-42472979-A-C.
Other names: c.2810T>G, p.Ile937Ser (NM_001256213.2); c.2816T>G, p.Ile939Ser (NM_001256214.2); short protein forms I926S, I939S, I937S.
Identifiers: ClinVar variation 858987 (VCV000858987.10), dbSNP rs2075071439, ClinGen allele CA406035946.

ClinVar aggregate classification (germline): Uncertain significance (1 of 4 stars; one submission).

Conditions:
Dystonia 12 (DYT12). Also called: Rapid-Onset Dystonia-Parkinsonism (RDP); DYT-ATP1A3. Identifiers: Orphanet 71517, MedGen C1868681, MONDO:0007496, OMIM 128235.

Submission:

Labcorp Genetics (formerly Invitae), Labcorp
Classification: Uncertain significance for Dystonia 12. Last evaluated: 2019-12-19. Review status: criteria provided, single submitter. Criteria: Invitae Variant Classification Sherloc (09022015). Collection method: clinical testing. Allele origin: germline.
Comment: In summary, the available evidence is currently insufficient to determine the role of this variant in disease. Therefore, it has been classified as a Variant of Uncertain Significance. Algorithms developed to predict the effect of sequence changes on RNA splicing suggest that this variant may create or strengthen a splice site, but this prediction has not been confirmed by published transcriptional studies. Algorithms developed to predict the effect of missense changes on protein structure and function are either unavailable or do not agree on the potential impact of this missense change (SIFT: "Deleterious"; PolyPhen-2: "Probably Damaging"; Align-GVGD: "Class C0"). This variant has not been reported in the literature in individuals with ATP1A3-related conditions. This variant is not present in population databases (ExAC no frequency). This sequence change replaces isoleucine with serine at codon 926 of the ATP1A3 protein (p.Ile926Ser). The isoleucine residue is moderately conserved and there is a large physicochemical difference between isoleucine and serine.